The following is an entry in ClinVar:

ClinVar aggregate classification (germline): Uncertain significance. Review status: criteria provided, multiple submitters, no conflicts (2 of 4 stars). 2 submissions from 2 submitters: Uncertain significance (2). Last evaluated 2023-11-23.

Conditions:
Hereditary cancer-predisposing syndrome. Also called: Neoplastic Syndromes, Hereditary; Hereditary Cancer Syndrome; Tumor predisposition; Hereditary neoplastic syndrome. Identifiers: Orphanet 140162, MedGen C0027672, MeSH D009386, MONDO:0015356.
Gorlin syndrome. Also called: Basal cell nevus syndrome; Nevoid Basal Cell Carcinoma Syndrome. Identifiers: Orphanet 377, MedGen C0004779, MONDO:0007187.
Medulloblastoma (MDB). Also called: Medulloblastoma, somatic; MEDULLOBLASTOMA PREDISPOSITION SYNDROME. Identifiers: Orphanet 616, MedGen C0025149, MeSH D008527, MONDO:0007959, OMIM 155255, HP:0002885.

Submissions (2):

Ambry Genetics
Classification: Uncertain significance for Hereditary cancer-predisposing syndrome. Last evaluated: 2023-11-23. Review status: criteria provided, single submitter. Criteria: Ambry Variant Classification Scheme 2023. Collection method: clinical testing. Allele origin: germline.
Comment: The p.V148L variant (also known as c.442G>T), located in coding exon 3 of the SUFU gene, results from a G to T substitution at nucleotide position 442. The valine at codon 148 is replaced by leucine, an amino acid with highly similar properties. This amino acid position is conserved. In addition, this alteration is predicted to be deleterious by in silico analysis. Since supporting evidence is limited at this time, the clinical significance of this alteration remains unclear.

Labcorp Genetics (formerly Invitae), Labcorp
Classification: Uncertain significance for Gorlin syndrome; Medulloblastoma. Last evaluated: 2021-02-17. Review status: criteria provided, single submitter. Criteria: Invitae Variant Classification Sherloc (09022015). Collection method: clinical testing. Allele origin: germline.
Comment: In summary, the available evidence is currently insufficient to determine the role of this variant in disease. Therefore, it has been classified as a Variant of Uncertain Significance. Algorithms developed to predict the effect of missense changes on protein structure and function are either unavailable or do not agree on the potential impact of this missense change (SIFT: "Tolerated"; PolyPhen-2: "Probably Damaging"; Align-GVGD: "Class C0"). This variant has not been reported in the literature in individuals with SUFU-related conditions. This variant is not present in population databases (ExAC no frequency). This sequence change replaces valine with leucine at codon 148 of the SUFU protein (p.Val148Leu). The valine residue is highly conserved and there is a small physicochemical difference between valine and leucine.

NM_016169.4(SUFU):c.442G>T (p.Val148Leu)

Gene: SUFU (SUFU negative regulator of hedgehog signaling; plus strand). Cytogenetic location: 10q24.32.
Variant type: single nucleotide variant.
Coding change: c.442G>T on transcript NM_016169.4 (MANE Select); coding-DNA position 442, G replaced by T.
Protein change: p.Val148Leu; replaces valine 148 with leucine.
Molecular consequence: missense variant.
Genome position (GRCh38, 1-based): chr10:102,550,094, G>T. VCF-style: chr10-102550094-G-T. GRCh37 (hg19) VCF-style: chr10-104309851-G-T.
Other names: c.442G>T (NM_016169.3); c.442G>T, p.Val148Leu (NM_001178133.2); short protein forms V148L.
Identifiers: ClinVar variation 1511360 (VCV001511360.9), dbSNP rs763813479, ClinGen allele CA377903681.
Genomic context (GRCh38, chr10:102,550,094, plus strand): 5'-ACTGGGGAGTCTGCCCCACCAACATGGCCCGCAGAGTTAATGCAGGGCTTGGCACGATAC[G>T]TGTTCCAGTCAGGTAGGAGGCCAGGGCTGGCTGCTGTGCTGGTCCTTTTGCCATGAGCCT-3'
Protein context (NP_057253.2, residues 138-158): AELMQGLARY[Val148Leu]FQSENTFCSG